The following is an entry in ClinVar:

NM_000310.4(PPT1):c.26T>C (p.Leu9Pro)

Gene: PPT1 (palmitoyl-protein thioesterase 1; minus strand). Cytogenetic location: 1p34.2.
Variant type: single nucleotide variant.
Coding change: c.26T>C on transcript NM_000310.4 (MANE Select); coding-DNA position 26, T replaced by C.
Protein change: p.Leu9Pro; replaces leucine 9 with proline.
Molecular consequence: missense variant.
Genome position (GRCh38, 1-based): chr1:40,097,213, A>G on the plus strand (T>C on the coding strand, the complement: PPT1 is on the minus strand). VCF-style: chr1-40097213-A-G. GRCh37 (hg19) VCF-style: chr1-40562885-A-G.
Other names: c.26T>C, p.Leu9Pro (NM_001142604.2, NM_001363695.2); short protein forms L9P.
Identifiers: ClinVar variation 1794914 (VCV001794914.2), dbSNP rs2523709866, ClinGen allele CA339850836.
Genomic context (GRCh38, chr1:40,097,213, plus strand): 5'-GGGTCCAGATGCTGCAGCGCCCGAGAAGCGCAGGTCCATGGCAGGAGAGCCACAGCCAAG[A>G]GCCACAGGCAGCCGGGCGACGCCATCTTCGCTGTGTCACATGACCGCGGGCGCGAGACTC-3'
Protein context (NP_000301.1, residues 1-19): MASPGCLW[Leu9Pro]LAVALLPWTC

ClinVar aggregate classification (germline): Uncertain significance (1 of 4 stars; one submission).

Conditions:
Inborn genetic diseases. Identifiers: MedGen C0950123, MeSH D030342.

Submission:

Ambry Genetics
Classification: Uncertain significance for Inborn genetic diseases. Last evaluated: 2017-08-07. Review status: criteria provided, single submitter. Criteria: Ambry Variant Classification Scheme 2023. Collection method: clinical testing. Allele origin: germline.
Comment: The p.L9P variant (also known as c.26T>C), located in coding exon 1 of the PPT1 gene, results from a T to C substitution at nucleotide position 26. The leucine at codon 9 is replaced by proline, an amino acid with similar properties. This amino acid position is highly conserved in available vertebrate species. In addition, this alteration is predicted to be deleterious by in silico analysis. Since supporting evidence is limited at this time, the clinical significance of this alteration remains unclear.